The following is an entry in ClinVar:

ClinVar aggregate classification (germline): Uncertain significance (1 of 4 stars; one submission).

Submission:

Labcorp Genetics (formerly Invitae), Labcorp
Classification: Uncertain significance. Last evaluated: 2018-09-12. Review status: criteria provided, single submitter. Criteria: Invitae Variant Classification Sherloc (09022015). Collection method: clinical testing. Allele origin: germline.
Comment: This sequence change results in a premature translational stop signal in the SCN3A gene (p.Ser1698Leufs*8). While this is not anticipated to result in nonsense mediated decay, it is expected to disrupt the last 303 amino acids of the SCN3A protein. This variant is not present in population databases (ExAC no frequency). This variant has not been reported in the literature in individuals with SCN3A-related disease. Experimental studies and prediction algorithms are not available for this variant, and the functional significance of the affected amino acid(s) is currently unknown. In summary, the available evidence is currently insufficient to determine the role of this variant in disease. Therefore, it has been classified as a Variant of Uncertain Significance.

NM_006922.4(SCN3A):c.5074_5090dup (p.Ser1698fs)

Gene: SCN3A (sodium voltage-gated channel alpha subunit 3; minus strand). Cytogenetic location: 2q24.3.
Variant type: Duplication.
Coding change: c.5074_5090dup on transcript NM_006922.4 (MANE Select); coding-DNA positions 5074 to 5090, 17 bases duplicated (TTTGAGACCTTTGGCAA).
Protein change: p.Ser1698fs; shifts the reading frame from serine 1698.
Molecular consequence: frameshift variant.
Genome position (GRCh38, 1-based): chr2:165,091,063-165,091,079, TTGCCAAAGGTCTCAAA duplicated on the plus strand (TTTGAGACCTTTGGCAA on the coding strand, the reverse complement: SCN3A is on the minus strand). VCF-style (leftmost placement, unchanged base first): chr2-165091062-G-GTTGCCAAAGGTCTCAAA. GRCh37 (hg19) VCF-style: chr2-165947572-G-GTTGCCAAAGGTCTCAAA.
Other names: c.4927_4943dup, p.Ser1649fs (NM_001081676.2, NM_001081677.2); short protein forms S1649fs, S1698fs.
Identifiers: ClinVar variation 648898 (VCV000648898.1), dbSNP rs1574089230, ClinGen allele CA915942916.